The following is an entry in ClinVar:

NM_001613.4(ACTA2):c.808+2T>C

Genes: ACTA2 (actin alpha 2, smooth muscle; minus strand), ACTA2-AS1 (ACTA2 antisense RNA 1; plus strand). Cytogenetic location: 10q23.31.
Variant type: single nucleotide variant.
Coding change: c.808+2T>C on transcript NM_001613.4 (MANE Select); the canonical splice donor site of the intron after coding-DNA position 808, T replaced by C.
Molecular consequence: splice donor variant. On other transcripts: non-coding transcript variant (1), intron variant (1).
Genome position (GRCh38, 1-based): chr10:88,939,505, A>G on the plus strand (T>C on the coding strand, the complement: ACTA2 is on the minus strand). VCF-style: chr10-88939505-A-G. GRCh37 (hg19) VCF-style: chr10-90699262-A-G.
Other names: c.679+2T>C (NM_001406467.1, NM_001406468.1, NM_001406469.1); c.808+2T>C (NM_001320855.2, NM_001406462.1, NM_001141945.3 and 2 more transcripts); c.617-1263T>C (NM_001406471.1); c.697+2T>C (NM_001406466.1).
Identifiers: ClinVar variation 4842611 (VCV004842611.1).

ClinVar aggregate classification (germline): Uncertain significance (1 of 4 stars; one submission).

Conditions:
Familial thoracic aortic aneurysm and aortic dissection (TAAD). Also called: Thoracic aortic aneurysms and dissections. Identifiers: Orphanet 91387, MedGen C4707243, MONDO:0019625.

Submission:

Ambry Genetics
Classification: Uncertain significance for Familial thoracic aortic aneurysm and aortic dissection. Last evaluated: 2026-01-27. Review status: criteria provided, single submitter. Criteria: Ambry Variant Classification Scheme 2023. Collection method: clinical testing. Allele origin: germline.
Comment: The c.808+2T>C intronic variant results from a T to C substitution two nucleotides after coding exon 6 in the ACTA2 gene. This nucleotide position is highly conserved in available vertebrate species. In silico splice site analysis predicts that this alteration will weaken the native splice donor site. Variants that disrupt the canonical splice site are expected to cause aberrant splicing, resulting in an abnormal protein or a transcript that is subject to nonsense-mediated mRNA decay. However, loss of function has not been established as a mechanism of disease. Based on the available evidence, the clinical significance of this variant remains unclear.